The following is an entry in ClinVar:

ClinVar aggregate classification (germline): Benign/Likely benign. Review status: criteria provided, multiple submitters, no conflicts (2 of 4 stars). 6 submissions from 6 submitters: Benign (1); Likely benign (5). Last evaluated 2025-05-07.

Conditions:
Hereditary cancer-predisposing syndrome. Also called: Hereditary neoplastic syndrome; Neoplastic Syndromes, Hereditary; Tumor predisposition; Hereditary Cancer Syndrome. Identifiers: Orphanet 140162, MedGen C0027672, MeSH D009386, MONDO:0015356.
Peutz-Jeghers syndrome (PJS). Also called: POLYPOSIS, HAMARTOMATOUS INTESTINAL; POLYPS-AND-SPOTS SYNDROME; Peutz-Jeghers polyposis; Periorificial lentiginosis syndrome. Identifiers: Orphanet 2869, MedGen C0031269, MeSH D010580, MONDO:0008280, OMIM 175200.

Allele frequency attached by ClinVar (database versions not stated): ExAC 0.00002.

Submissions (6):

Labcorp Genetics (formerly Invitae), Labcorp
Classification: Likely benign for Peutz-Jeghers syndrome. Last evaluated: 2025-05-07. Review status: criteria provided, single submitter. Criteria: Invitae Variant Classification Sherloc (09022015). Collection method: clinical testing. Allele origin: germline.

Myriad Genetics, Inc.
Classification: Benign for Peutz-Jeghers syndrome. Last evaluated: 2025-03-28. Review status: criteria provided, single submitter. Criteria: Myriad Autosomal Dominant, Autosomal Recessive and X-Linked Classification Criteria (2023). Collection method: clinical testing. Allele origin: unknown.
Comment: This variant is considered benign. This variant is a silent/synonymous amino acid change and it is not expected to impact splicing.

Color Diagnostics, LLC DBA Color Health
Classification: Likely benign for Hereditary cancer-predisposing syndrome. Last evaluated: 2022-11-06. Review status: criteria provided, single submitter. Criteria: ACMG Guidelines, 2015. Collection method: clinical testing. Allele origin: germline.

Quest Diagnostics Nichols Institute San Juan Capistrano
Classification: Likely benign. Last evaluated: 2022-10-20. Review status: criteria provided, single submitter. Criteria: Quest Diagnostics criteria. Collection method: clinical testing. Allele origin: unknown.

Genetic Services Laboratory, University of Chicago
Classification: Likely benign. Last evaluated: 2020-08-18. Review status: criteria provided, single submitter. Criteria: ACMG Guidelines, 2015. Collection method: clinical testing. Allele origin: germline. Affected: no.

Ambry Genetics
Classification: Likely benign for Hereditary cancer-predisposing syndrome. Last evaluated: 2017-08-22. Review status: criteria provided, single submitter. Criteria: Ambry Variant Classification Scheme 2023. Collection method: clinical testing. Allele origin: germline.

NM_000455.5(STK11):c.1212C>T (p.Ser404=)

Gene: STK11 (serine/threonine kinase 11; plus strand). Cytogenetic location: 19p13.3.
Variant type: single nucleotide variant.
Coding change: c.1212C>T on transcript NM_000455.5 (MANE Select); coding-DNA position 1212, C replaced by T.
Protein change: p.Ser404=; no amino-acid change (serine 404 retained).
Molecular consequence: synonymous variant.
Genome position (GRCh38, 1-based): chr19:1,226,557, C>T. VCF-style: chr19-1226557-C-T. GRCh37 (hg19) VCF-style: chr19-1226556-C-T.
Identifiers: ClinVar variation 484993 (VCV000484993.20), dbSNP rs754945004, ClinGen allele CA045981.